The following is an entry in ClinVar:

NM_000179.3(MSH6):c.3697_3707del (p.Val1232_Lys1233insTer)

Gene: MSH6 (mutS homolog 6; plus strand). Cytogenetic location: 2p16.3.
Variant type: Deletion.
Coding change: c.3697_3707del on transcript NM_000179.3 (MANE Select); coding-DNA positions 3697 to 3707, 11 bases deleted (AAAGAACTTGC).
Protein change: p.Val1232_Lys1233insTer.
Molecular consequence: nonsense. On other transcripts: non-coding transcript variant (5).
Genome position (GRCh38, 1-based): chr2:47,806,254-47,806,264, AAAGAACTTGC deleted. VCF-style (leftmost placement, unchanged base first): chr2-47806253-TAAAGAACTTGC-T. GRCh37 (hg19) VCF-style: chr2-48033392-TAAAGAACTTGC-T.
Other names: c.2131_2141del, p.Val710_Lys711insTer (NM_001406817.1); c.3400_3410del, p.Val1133_Lys1134insTer (NM_001406818.1, NM_001406819.1, NM_001406820.1 and 10 more transcripts); c.2791_2801del, p.Val930_Lys931insTer (NM_001406823.1, NM_001406829.1, NM_001281493.2 and 6 more transcripts); c.3529_3539del, p.Val1176_Lys1177insTer (NM_001406826.1); c.478_488del, p.Val159_Lys160insTer (NM_001406831.1); c.544_554del, p.Val181_Lys182insTer (NM_001406832.1); c.1642_1652del, p.Val547_Lys548insTer (NM_001407362.1); c.3307_3317del, p.Val1102_Lys1103insTer (NM_001281492.2); and 7 more.
Identifiers: ClinVar variation 3655504 (VCV003655504.2).

ClinVar aggregate classification (germline): Pathogenic (1 of 4 stars; one submission).

Conditions:
Hereditary nonpolyposis colorectal neoplasms. Identifiers: MedGen C0009405, MeSH D003123.

Submission:

Labcorp Genetics (formerly Invitae), Labcorp
Classification: Pathogenic for Hereditary nonpolyposis colorectal neoplasms. Last evaluated: 2024-06-04. Review status: criteria provided, single submitter. Criteria: Invitae Variant Classification Sherloc (09022015). Collection method: clinical testing. Allele origin: germline.
Comment: This sequence change creates a premature translational stop signal (p.Lys1233*) in the MSH6 gene. It is expected to result in an absent or disrupted protein product. Loss-of-function variants in MSH6 are known to be pathogenic (PMID: 18269114, 24362816). This variant is not present in population databases (gnomAD no frequency). This variant has not been reported in the literature in individuals affected with MSH6-related conditions. For these reasons, this variant has been classified as Pathogenic.

Literature cited by the submitters: PubMed 18269114; PubMed 24362816.